The following is an entry in ClinVar:

ClinVar aggregate classification (germline): Uncertain significance (1 of 4 stars; one submission).

Conditions:
Familial hemiplegic migraine. Identifiers: MedGen C0338484, MONDO:0000700.

gnomAD v4.1: 1 of 1,614,136 alleles (0.000062%); highest among the groups gnomAD compares: Non-Finnish European, 0.000085%; no homozygotes.

Submission:

Labcorp Genetics (formerly Invitae), Labcorp
Classification: Uncertain significance for Familial hemiplegic migraine. Last evaluated: 2023-09-05. Review status: criteria provided, single submitter. Criteria: Invitae Variant Classification Sherloc (09022015). Collection method: clinical testing. Allele origin: germline.
Comment: In summary, the available evidence is currently insufficient to determine the role of this variant in disease. Therefore, it has been classified as a Variant of Uncertain Significance. Advanced modeling of protein sequence and biophysical properties (such as structural, functional, and spatial information, amino acid conservation, physicochemical variation, residue mobility, and thermodynamic stability) performed at Invitae indicates that this missense variant is not expected to disrupt ATP1A2 protein function. ClinVar contains an entry for this variant (Variation ID: 952761). This variant has not been reported in the literature in individuals affected with ATP1A2-related conditions. This variant is not present in population databases (gnomAD no frequency). This sequence change replaces methionine, which is neutral and non-polar, with valine, which is neutral and non-polar, at codon 389 of the ATP1A2 protein (p.Met389Val).

NM_000702.4(ATP1A2):c.1165A>G (p.Met389Val)

Gene: ATP1A2 (ATPase Na+/K+ transporting subunit alpha 2; plus strand). Cytogenetic location: 1q23.2.
Variant type: single nucleotide variant.
Coding change: c.1165A>G on transcript NM_000702.4 (MANE Select); coding-DNA position 1165, A replaced by G.
Protein change: p.Met389Val; replaces methionine 389 with valine.
Molecular consequence: missense variant.
Genome position (GRCh38, 1-based): chr1:160,128,799, A>G. VCF-style: chr1-160128799-A-G. GRCh37 (hg19) VCF-style: chr1-160098589-A-G.
Other names: short protein forms M389V.
Identifiers: ClinVar variation 952761 (VCV000952761.9), dbSNP rs1651667422, ClinGen allele CA343239626.